The following is an entry in ClinVar:

NM_001035.3(RYR2):c.12579C>G (p.Cys4193Trp)

Genes: RYR2 (ryanodine receptor 2; plus strand), LOC126806068 (BRD4-independent group 4 enhancer GRCh37_chr1:237947411-237948610; plus strand). Cytogenetic location: 1q43.
Variant type: single nucleotide variant.
Coding change: c.12579C>G on transcript NM_001035.3 (MANE Select); coding-DNA position 12579, C replaced by G.
Protein change: p.Cys4193Trp; replaces cysteine 4193 with tryptophan.
Molecular consequence: missense variant.
Genome position (GRCh38, 1-based): chr1:237,784,291, C>G. VCF-style: chr1-237784291-C-G. GRCh37 (hg19) VCF-style: chr1-237947591-C-G.
Other names: short protein forms C4193W.
Identifiers: ClinVar variation 3767555 (VCV003767555.1).

ClinVar aggregate classification (germline): Uncertain significance (1 of 4 stars; one submission).

Submission:

GeneDx
Classification: Uncertain significance. Last evaluated: 2024-09-10. Review status: criteria provided, single submitter. Criteria: GeneDx Variant Classification Process June 2021. Collection method: clinical testing. Allele origin: germline. Affected: yes.
Comment: Located in one of the three hot-spot regions of the RYR2 gene, where the majority of pathogenic missense variants occur (PMID: 19926015); In silico analysis supports that this missense variant has a deleterious effect on protein structure/function; Not observed at significant frequency in large population cohorts (gnomAD); This variant is associated with the following publications: (PMID: 19926015, 30271978, 26114861, 32152366, 35135837, 29434162)